The following is an entry in ClinVar:

NM_005475.3(SH2B3):c.1190G>A (p.Arg397Gln)

Gene: SH2B3 (SH2B adaptor protein 3; plus strand). Cytogenetic location: 12q24.12.
Variant type: single nucleotide variant.
Coding change: c.1190G>A on transcript NM_005475.3 (MANE Select); coding-DNA position 1190, G replaced by A.
Protein change: p.Arg397Gln; replaces arginine 397 with glutamine.
Molecular consequence: missense variant.
Genome position (GRCh38, 1-based): chr12:111,447,498, G>A. VCF-style: chr12-111447498-G-A. GRCh37 (hg19) VCF-style: chr12-111885302-G-A.
Other names: c.584G>A, p.Arg195Gln (NM_001291424.1); short protein forms R195Q, R397Q.
Identifiers: ClinVar variation 3440716 (VCV003440716.1).

ClinVar aggregate classification (germline): Uncertain significance (1 of 4 stars; one submission).

Conditions:
Inborn genetic diseases. Identifiers: MedGen C0950123, MeSH D030342.

gnomAD v4.1: 37 of 1,612,448 alleles (0.0023%); highest among the groups gnomAD compares: East Asian, 0.0067%; no homozygotes.

Submission:

Ambry Genetics
Classification: Uncertain significance for Inborn genetic diseases. Last evaluated: 2024-10-05. Review status: criteria provided, single submitter. Criteria: Ambry Variant Classification Scheme 2023. Collection method: clinical testing. Allele origin: germline.
Comment: The p.R397Q variant (also known as c.1190G>A), located in coding exon 5 of the SH2B3 gene, results from a G to A substitution at nucleotide position 1190. The arginine at codon 397 is replaced by glutamine, an amino acid with highly similar properties. This amino acid position is conserved. In addition, the in silico prediction for this alteration is inconclusive. Based on the available evidence, the clinical significance of this variant remains unclear.